The following is an entry in ClinVar:

NM_213607.3(DNAAF19):c.568_569dup (p.Ser190fs)

Gene: DNAAF19 (dynein axonemal assembly factor 19; plus strand). Cytogenetic location: 17q21.31.
Variant type: Microsatellite.
Coding change: c.568_569dup on transcript NM_213607.3 (MANE Select); coding-DNA positions 568 to 569, 2 bases duplicated (AG; older notation c.568_569dupAG).
Protein change: p.Ser190fs; shifts the reading frame from serine 190.
Molecular consequence: frameshift variant. On other transcripts: 3 prime UTR variant (3).
Genome position (GRCh38, 1-based): chr17:44,902,656-44,902,657, AG duplicated; duplicating any 2 consecutive bases within chr17:44,902,646-44,902,657 gives the same sequence; the c. name uses the placement nearest the transcript's 3' end. VCF-style (leftmost placement, unchanged base first): chr17-44902645-C-CAG. GRCh37 (hg19) VCF-style: chr17-42980013-C-CAG.
Other names: c.568_569dupAG (NM_213607.2); c.569_570dup (NM_001258398.1); c.568_569dup, p.Ser190fs (NM_001258395.2, NM_001258396.2); c.*308AG[7] (NM_001258397.3); c.*247AG[7] (NM_001258398.3, NM_001258399.2); short protein forms S190fs.
Identifiers: ClinVar variation 455029 (VCV000455029.16), dbSNP rs746242380, ClinGen allele CA626225316.
Genomic context (GRCh38, chr17:44,902,645, plus strand): 5'-TCCTATGCAGCCTGGCGAGCACTGGGCGCTTCACCCTGAACCTAAGCCTGCTGAGCCGGG[C>CAG]AGAGAGAGAGAGCTGCAAGGGCTTGTTTCAGAAGCTGCAAGCCATGGGCAACCCCAGATC-3'

ClinVar aggregate classification (germline): Likely pathogenic. Review status: criteria provided, multiple submitters, no conflicts (2 of 4 stars). 5 submissions from 5 submitters: Likely pathogenic (4). 1 of the submissions does not count toward it. Last evaluated 2026-04-01.

Conditions:
Primary ciliary dyskinesia. Also called: Ciliary dyskinesia. Identifiers: Orphanet 244, MedGen C0008780, MONDO:0016575, HP:0012265.
Absent inner and outer dynein arms. Identifiers: MedGen C4022986, HP:0012259.
Situs inversus. Also called: Situs inversus totalis. Identifiers: Orphanet 101063, MedGen C4551493, MONDO:0010029, HP:0001696.
Primary ciliary dyskinesia 17. Also called: CILIARY DYSKINESIA, PRIMARY, 17, WITH OR WITHOUT SITUS INVERSUS. Identifiers: Orphanet 244, MedGen C3542550, MONDO:0013854, OMIM 614679.

Submissions (5):

Department of Human Genetics, Hannover Medical School
Classification: Likely pathogenic for Primary Ciliary Dyskinesia. Last evaluated: 2026-04-01. Review status: criteria provided, single submitter. Criteria: ACMG Guidelines, 2015. Collection method: research. Allele origin: germline. Affected: no.
Comment: Classification performed by HerediClassify using the following criteria:['PM2_supporting: Variant occures does not occur as homozygous in gnomAD.', 'PVS1_protein_strong: Transcript ENST00000417826 is not predicted to undergo NMD. Protein length change of 0.14462809917355368 observed.', "PP4_supporting: The PICADAR socre of 5.0 exceeds threshold of 5 achieving 'supporting' evidence strength."]

Fulgent Genetics
Classification: Likely pathogenic for Primary ciliary dyskinesia 17. Last evaluated: 2024-06-03. Review status: criteria provided, single submitter. Criteria: ACMG Guidelines, 2015. Collection method: clinical testing. Allele origin: germline.

Laboratorio de Genetica e Diagnostico Molecular, Hospital Israelita Albert Einstein
Classification: Likely pathogenic for Primary ciliary dyskinesia 17. Last evaluated: 2024-01-22. Review status: criteria provided, single submitter. Criteria: ACMG Guidelines, 2015. Collection method: clinical testing. Allele origin: germline. Affected: yes.
Comment: ACMG classification criteria: PVS1 strong, PM2 supporting, PM3 supporting

Labcorp Genetics (formerly Invitae), Labcorp
Classification: Likely pathogenic for Primary ciliary dyskinesia. Last evaluated: 2023-12-06. Review status: criteria provided, single submitter. Criteria: Invitae Variant Classification Sherloc (09022015). Collection method: clinical testing. Allele origin: germline.
Comment: This sequence change creates a premature translational stop signal (p.Ser190Argfs*19) in the CCDC103 gene. While this is not anticipated to result in nonsense mediated decay, it is expected to disrupt the last 53 amino acid(s) of the CCDC103 protein. This variant is not present in population databases (gnomAD no frequency). This premature translational stop signal has been observed in individual(s) with primary ciliary dyskinesia (Invitae). ClinVar contains an entry for this variant (Variation ID: 455029). In summary, the currently available evidence indicates that the variant is pathogenic, but additional data are needed to prove that conclusively. Therefore, this variant has been classified as Likely Pathogenic.

Laboratory of Cell Biology, Institute of Biomedical Sciences Abel Salazar University of Porto
Classification: Pathogenic for Primary ciliary dyskinesia; Situs inversus; Absent inner and outer dynein arms. Last evaluated: 2018-11-04. Review status: no assertion criteria provided. Collection method: clinical testing. Allele origin: inherited. Inheritance: Autosomal recessive inheritance. Affected: yes. Observed: 1 homozygote. Not counted in ClinVar's aggregate classification.
Comment: The gene and protein expression are reduced.